The following is an entry in ClinVar:

NM_152365.3(KDF1):c.343A>G (p.Thr115Ala)

Gene: KDF1 (keratinocyte differentiation factor 1; minus strand). Cytogenetic location: 1p36.11.
Variant type: single nucleotide variant.
Coding change: c.343A>G on transcript NM_152365.3 (MANE Select); coding-DNA position 343, A replaced by G.
Protein change: p.Thr115Ala; replaces threonine 115 with alanine.
Molecular consequence: missense variant.
Genome position (GRCh38, 1-based): chr1:26,952,038, T>C on the plus strand (A>G on the coding strand, the complement: KDF1 is on the minus strand). VCF-style: chr1-26952038-T-C. GRCh37 (hg19) VCF-style: chr1-27278529-T-C.
Other names: short protein forms T115A.
Identifiers: ClinVar variation 3903018 (VCV003903018.2).

ClinVar aggregate classification (germline): Uncertain significance (1 of 4 stars; one submission).

Conditions:
KDF1-related disorder. Also called: KDF1-related condition.

gnomAD v4.1: 1 of 1,613,420 alleles (0.000062%); highest among the groups gnomAD compares: Non-Finnish European, 0.000085%; no homozygotes.

Submission:

GeneDx
Classification: Uncertain significance. Last evaluated: 2026-02-04. Review status: criteria provided, single submitter. Criteria: GeneDx Variant Classification Process June 2021. Collection method: clinical testing. Allele origin: germline.
Comment: Not observed at significant frequency in large population cohorts (gnomAD); In silico analysis suggests that this missense variant does not alter protein structure/function; Has not been previously published as pathogenic or benign to our knowledge